The following is an entry in ClinVar:

ClinVar aggregate classification (germline): Uncertain significance (1 of 4 stars; one submission).

Submission:

Labcorp Genetics (formerly Invitae), Labcorp
Classification: Uncertain significance. Last evaluated: 2025-10-18. Review status: criteria provided, single submitter. Criteria: Invitae Variant Classification Sherloc (09022015). Collection method: clinical testing. Allele origin: germline.
Comment: This sequence change replaces asparagine, which is neutral and polar, with threonine, which is neutral and polar, at codon 202 of the KCTD1 protein (p.Asn202Thr). This variant is not present in population databases (gnomAD no frequency). This variant has not been reported in the literature in individuals affected with KCTD1-related conditions. Invitae Evidence Modeling of protein sequence and biophysical properties (such as structural, functional, and spatial information, amino acid conservation, physicochemical variation, residue mobility, and thermodynamic stability) indicates that this missense variant is not expected to disrupt KCTD1 protein function with a negative predictive value of 80%. In summary, the available evidence is currently insufficient to determine the role of this variant in disease. Therefore, it has been classified as a Variant of Uncertain Significance.

NM_001142730.3(KCTD1):c.2429A>C (p.Asn810Thr)

Gene: KCTD1 (potassium channel tetramerization domain containing 1; minus strand). Cytogenetic location: 18q11.2.
Variant type: single nucleotide variant.
Coding change: c.2429A>C on transcript NM_001142730.3 (MANE Select); coding-DNA position 2429, A replaced by C.
Protein change: p.Asn810Thr; replaces asparagine 810 with threonine.
Molecular consequence: missense variant.
Genome position (GRCh38, 1-based): chr18:26,459,630, T>G on the plus strand (A>C on the coding strand, the complement: KCTD1 is on the minus strand). VCF-style: chr18-26459630-T-G. GRCh37 (hg19) VCF-style: chr18-24039594-T-G.
Other names: c.605A>C, p.Asn202Thr (NM_001136205.2, NM_001258221.2, NM_001351443.1 and 1 more transcripts); c.629A>C, p.Asn210Thr (NM_001258222.3); short protein forms N210T, N810T, N202T.
Identifiers: ClinVar variation 4739311 (VCV004739311.1).